The following is an entry in ClinVar:

NM_000321.3(RB1):c.21A>G (p.Arg7=)

Gene: RB1 (RB transcriptional corepressor 1; plus strand). Cytogenetic location: 13q14.2.
Variant type: single nucleotide variant.
Coding change: c.21A>G on transcript NM_000321.3 (MANE Select); coding-DNA position 21, A replaced by G.
Protein change: p.Arg7=; no amino-acid change (arginine 7 retained).
Molecular consequence: synonymous variant.
Genome position (GRCh38, 1-based): chr13:48,303,933, A>G. VCF-style: chr13-48303933-A-G. GRCh37 (hg19) VCF-style: chr13-48878069-A-G.
Identifiers: ClinVar variation 1081885 (VCV001081885.12), dbSNP rs2138027098, ClinGen allele CA483711576.

ClinVar aggregate classification (germline): Benign/Likely benign. Review status: criteria provided, multiple submitters, no conflicts (2 of 4 stars). 3 submissions from 3 submitters: Benign (1); Likely benign (2). Last evaluated 2026-06-23.

Conditions:
Hereditary cancer-predisposing syndrome. Also called: Neoplastic Syndromes, Hereditary; Tumor predisposition; Hereditary Cancer Syndrome; Hereditary neoplastic syndrome. Identifiers: Orphanet 140162, MedGen C0027672, MeSH D009386, MONDO:0015356.
Retinoblastoma (RB1). Also called: RETINOBLASTOMA, SOMATIC. Identifiers: Orphanet 790, MedGen C0035335, MeSH D012175, MONDO:0008380, OMIM 180200, HP:0009919. Disease mechanism: loss of function. Inheritance: Both sporadic and heritable forms are tested..

Submissions (3):

Myriad Genetics, Inc.
Classification: Benign for Retinoblastoma. Last evaluated: 2026-06-23. Review status: criteria provided, single submitter. Criteria: Myriad Autosomal Dominant, Autosomal Recessive and X-Linked Classification Criteria (2023). Collection method: clinical testing. Allele origin: unknown.
Comment: This variant is considered benign. This variant is a silent/synonymous amino acid change and it is not expected to impact splicing.

Labcorp Genetics (formerly Invitae), Labcorp
Classification: Likely benign for Retinoblastoma. Last evaluated: 2024-05-27. Review status: criteria provided, single submitter. Criteria: Invitae Variant Classification Sherloc (09022015). Collection method: clinical testing. Allele origin: germline.

Ambry Genetics
Classification: Likely benign for Hereditary cancer-predisposing syndrome. Last evaluated: 2020-03-13. Review status: criteria provided, single submitter. Criteria: Ambry Variant Classification Scheme 2023. Collection method: clinical testing. Allele origin: germline.